The following is an entry in ClinVar:

ClinVar aggregate classification (germline): Uncertain significance (1 of 4 stars; one submission).

Submission:

Ambry Genetics
Classification: Uncertain significance. Last evaluated: 2022-04-23. Review status: criteria provided, single submitter. Criteria: Ambry Variant Classification Scheme 2023. Collection method: clinical testing. Allele origin: germline.
Comment: The p.S20G variant (also known as c.58A>G), located in coding exon 1 of the MLH3 gene, results from an A to G substitution at nucleotide position 58. The serine at codon 20 is replaced by glycine, an amino acid with similar properties. This amino acid position is conserved. In addition, this alteration is predicted to be tolerated by in silico analysis. Since supporting evidence is limited at this time, the clinical significance of this alteration remains unclear.

NM_001040108.2(MLH3):c.58A>G (p.Ser20Gly)

Gene: MLH3 (mutL homolog 3; minus strand). Cytogenetic location: 14q24.3.
Variant type: single nucleotide variant.
Coding change: c.58A>G on transcript NM_001040108.2 (MANE Select); coding-DNA position 58, A replaced by G.
Protein change: p.Ser20Gly; replaces serine 20 with glycine.
Molecular consequence: missense variant.
Genome position (GRCh38, 1-based): chr14:75,049,598, T>C on the plus strand (A>G on the coding strand, the complement: MLH3 is on the minus strand). VCF-style: chr14-75049598-T-C. GRCh37 (hg19) VCF-style: chr14-75516301-T-C.
Other names: c.58A>G, p.Ser20Gly (NM_014381.3); short protein forms S20G.
Identifiers: ClinVar variation 1750374 (VCV001750374.2), dbSNP rs2503338746, ClinGen allele CA390451830.
Genomic context (GRCh38, chr14:75,049,598, plus strand): 5'-ATTTTGCTTCAGCATCAATACTGTTGAGGGCAAGTTCCTCAACACATTGGCCCAAGGAGC[T>C]TATGGCCAAACCAGAACGCAATTTGGCTTGTACTTCAACTGACAAGCACTTGATCATGGT-3'
Protein context (NP_001035197.1, residues 10-30): QAKLRSGLAI[Ser20Gly]SLGQCVEELA